The following is an entry in ClinVar:

NM_004329.3(BMPR1A):c.121C>T (p.Gln41Ter)

Gene: BMPR1A (bone morphogenetic protein receptor type 1A; plus strand). Cytogenetic location: 10q23.2.
Variant type: single nucleotide variant.
Coding change: c.121C>T on transcript NM_004329.3 (MANE Select); coding-DNA position 121, C replaced by T.
Protein change: p.Gln41Ter; replaces glutamine 41 with a stop codon.
Molecular consequence: nonsense. On other transcripts: non-coding transcript variant (3).
Genome position (GRCh38, 1-based): chr10:86,890,115, C>T. VCF-style: chr10-86890115-C-T. GRCh37 (hg19) VCF-style: chr10-88649872-C-T.
Other names: c.121C>T, p.Gln41Ter (NM_001406559.1, NM_001406560.1, NM_001406561.1 and 23 more transcripts); c.37C>T, p.Gln13Ter (NM_001406584.1, NM_001406585.1, NM_001406586.1 and 2 more transcripts); short protein forms Q41*, Q13*.
Identifiers: ClinVar variation 2746483 (VCV002746483.3), dbSNP rs2539431082, ClinGen allele CA377446515.

ClinVar aggregate classification (germline): Pathogenic (1 of 4 stars; one submission).

Conditions:
Juvenile polyposis syndrome (JPS). Identifiers: Orphanet 2929, MedGen C0345893, MONDO:0017380, OMIM 174900.

Submission:

Labcorp Genetics (formerly Invitae), Labcorp
Classification: Pathogenic for Juvenile polyposis syndrome. Last evaluated: 2023-07-25. Review status: criteria provided, single submitter. Criteria: Invitae Variant Classification Sherloc (09022015). Collection method: clinical testing. Allele origin: germline.
Comment: This sequence change creates a premature translational stop signal (p.Gln41*) in the BMPR1A gene. It is expected to result in an absent or disrupted protein product. Loss-of-function variants in BMPR1A are known to be pathogenic (PMID: 11536076, 12417513). This variant is not present in population databases (gnomAD no frequency). This variant has not been reported in the literature in individuals affected with BMPR1A-related conditions. For these reasons, this variant has been classified as Pathogenic.

Literature cited by the submitters: PubMed 11536076; PubMed 12417513.